The following is an entry in ClinVar:

ClinVar aggregate classification (germline): Uncertain significance (1 of 4 stars; one submission).

Conditions:
Duchenne muscular dystrophy (DMD). Also called: MUSCULAR DYSTROPHY, PSEUDOHYPERTROPHIC PROGRESSIVE, DUCHENNE TYPE; Duchenne Muscular Dystrophy (DMD). Identifiers: Orphanet 98896, MedGen C0013264, MONDO:0010679, OMIM 310200.

Submission:

Institute of Human Genetics, University of Leipzig Medical Center
Classification: Uncertain significance for Duchenne muscular dystrophy. Last evaluated: 2022-09-09. Review status: criteria provided, single submitter. Criteria: ACMG Guidelines, 2015. Collection method: clinical testing. Allele origin: maternal. Affected: yes.
Comment: Despite strong evidence for its pathogenicity, this variant has to be classified as of unknown significance, according to the ACMG-criteria (Richards et al., 2015)_x000D_ Criteria applied: PS4_SUP, PM2_SUP, PP3

NM_004006.3(DMD):c.5587-7T>A

Gene: DMD (dystrophin; minus strand). Cytogenetic location: Xp21.1.
Variant type: single nucleotide variant.
Coding change: c.5587-7T>A on transcript NM_004006.3 (MANE Select); 7 bases into the intron before coding-DNA position 5587, T replaced by A.
Molecular consequence: intron variant.
Genome position (GRCh38, 1-based): chrX:32,343,293, A>T on the plus strand (T>A on the coding strand, the complement: DMD is on the minus strand). VCF-style: chrX-32343293-A-T. GRCh37 (hg19) VCF-style: chrX-32361410-A-T.
Other names: c.5563-7T>A (NM_000109.4); c.1564-7T>A (NM_004011.4); c.1555-7T>A (NM_004012.4); c.5575-7T>A (NM_004009.3); c.5218-7T>A (NM_004010.3).
Identifiers: ClinVar variation 1707534 (VCV001707534.1), dbSNP rs2521869836, ClinGen allele CA2580100669.
Genomic context (GRCh38, chrX:32,343,293, plus strand): 5'-ATACCACTGATGAGAAATTTCTAGAGCCTTTTTTCTTCTTTGAGACCTCAAATCCTGTTC[A>T]TGGTGCAGACATTATTAAAATATCAATATATATGTATAGTGCACTTCTGGCTGCAGTTAT-3'